The following is an entry in ClinVar:

NM_000092.5(COL4A4):c.443C>T (p.Pro148Leu)

Gene: COL4A4 (collagen type IV alpha 4 chain; minus strand). Cytogenetic location: 2q36.3.
Variant type: single nucleotide variant.
Coding change: c.443C>T on transcript NM_000092.5 (MANE Select); coding-DNA position 443, C replaced by T.
Protein change: p.Pro148Leu; replaces proline 148 with leucine.
Molecular consequence: missense variant.
Genome position (GRCh38, 1-based): chr2:227,118,691, G>A on the plus strand (C>T on the coding strand, the complement: COL4A4 is on the minus strand). VCF-style: chr2-227118691-G-A. GRCh37 (hg19) VCF-style: chr2-227983407-G-A.
Other names: short protein forms P148L.
Identifiers: ClinVar variation 2169005 (VCV002169005.2), dbSNP rs1033767488, ClinGen allele CA66575348.

ClinVar aggregate classification (germline): Uncertain significance. Review status: criteria provided, multiple submitters, no conflicts (2 of 4 stars). 2 submissions from 2 submitters: Uncertain significance (2). Last evaluated 2021-08-06.

gnomAD v4.1: 1 of 1,614,060 alleles (0.000062%); highest among the groups gnomAD compares: Non-Finnish European, 0.000085%; no homozygotes.

Submissions (2):

Labcorp Genetics (formerly Invitae), Labcorp
Classification: Uncertain significance. Last evaluated: 2021-08-06. Review status: criteria provided, single submitter. Criteria: Invitae Variant Classification Sherloc (09022015). Collection method: clinical testing. Allele origin: germline.
Comment: This sequence change replaces proline with leucine at codon 148 of the COL4A4 protein (p.Pro148Leu). The proline residue is moderately conserved and there is a moderate physicochemical difference between proline and leucine. This variant is not present in population databases (ExAC no frequency). This variant has not been reported in the literature in individuals with COL4A4-related conditions. Advanced modeling of protein sequence and biophysical properties (such as structural, functional, and spatial information, amino acid conservation, physicochemical variation, residue mobility, and thermodynamic stability) performed at Invitae indicates that this missense variant is not expected to disrupt COL4A4 protein function. In summary, the available evidence is currently insufficient to determine the role of this variant in disease. Therefore, it has been classified as a Variant of Uncertain Significance.

Blueprint Genetics
Classification: Uncertain significance. Last evaluated: 2020-11-04. Review status: criteria provided, single submitter. Criteria: ACMG Guidelines, 2015. Collection method: clinical testing. Allele origin: germline.